The following is an entry in ClinVar:

NM_017763.6(RNF43):c.1134C>G (p.Ser378=)

Gene: RNF43 (ring finger protein 43; minus strand). Cytogenetic location: 17q22.
Variant type: single nucleotide variant.
Coding change: c.1134C>G on transcript NM_017763.6 (MANE Select); coding-DNA position 1134, C replaced by G.
Protein change: p.Ser378=; no amino-acid change (serine 378 retained).
Molecular consequence: synonymous variant.
Genome position (GRCh38, 1-based): chr17:58,358,642, G>C on the plus strand (C>G on the coding strand, the complement: RNF43 is on the minus strand). VCF-style: chr17-58358642-G-C. GRCh37 (hg19) VCF-style: chr17-56436003-G-C.
Other names: c.1134C>G, p.Ser378= (NM_001305544.3, NM_001438820.1, NM_001438821.1 and 1 more transcripts); c.753C>G, p.Ser251= (NM_001305545.2, NM_001437987.1).
Identifiers: ClinVar variation 5042381 (VCV005042381.1).

ClinVar aggregate classification (germline): Benign (1 of 4 stars; one submission).

Conditions:
Sessile serrated polyposis cancer syndrome (SSPCS). Identifiers: Orphanet 157798, MedGen C4310714, MONDO:0014919, OMIM 617108.

Submission:

Myriad Genetics, Inc.
Classification: Benign for Sessile serrated polyposis cancer syndrome. Last evaluated: 2026-07-01. Review status: criteria provided, single submitter. Criteria: Myriad Autosomal Dominant, Autosomal Recessive and X-Linked Classification Criteria (2023). Collection method: clinical testing. Allele origin: unknown.
Comment: This variant is considered benign. This variant is a silent/synonymous amino acid change and it is not expected to impact splicing.